The following is an entry in ClinVar:

NM_004211.5(SLC6A5):c.1087G>A (p.Ala363Thr)

Gene: SLC6A5 (solute carrier family 6 member 5; plus strand). Cytogenetic location: 11p15.1.
Variant type: single nucleotide variant.
Coding change: c.1087G>A on transcript NM_004211.5 (MANE Select); coding-DNA position 1087, G replaced by A.
Protein change: p.Ala363Thr; replaces alanine 363 with threonine.
Molecular consequence: missense variant.
Genome position (GRCh38, 1-based): chr11:20,614,780, G>A. VCF-style: chr11-20614780-G-A. GRCh37 (hg19) VCF-style: chr11-20636326-G-A.
Other names: c.385G>A, p.Ala129Thr (NM_001318369.2); short protein forms A363T, A129T.
Identifiers: ClinVar variation 1391942 (VCV001391942.8), dbSNP rs750861694, ClinGen allele CA5921306.

ClinVar aggregate classification (germline): Uncertain significance (1 of 4 stars; one submission).

Conditions:
Hyperekplexia 3 (HKPX3). Also called: HYPEREKPLEXIA 3, AUTOSOMAL RECESSIVE; HYPEREKPLEXIA 3, AUTOSOMAL DOMINANT. Identifiers: Orphanet 3197, MedGen C3553288, MONDO:0013827, OMIM 614618.

Allele frequency attached by ClinVar (database versions not stated): gnomAD exomes below 0.00001 and 0.00001; TOPMed below 0.00001; ExAC 0.00001; gnomAD 0.00001.
gnomAD v4.1: 4 of 1,613,872 alleles (0.00025%); highest among the groups gnomAD compares: Admixed American, 0.0017%; no homozygotes.

Submission:

Labcorp Genetics (formerly Invitae), Labcorp
Classification: Uncertain significance for Hyperekplexia 3. Last evaluated: 2021-08-17. Review status: criteria provided, single submitter. Criteria: Invitae Variant Classification Sherloc (09022015). Collection method: clinical testing. Allele origin: germline.
Comment: Advanced modeling of protein sequence and biophysical properties (such as structural, functional, and spatial information, amino acid conservation, physicochemical variation, residue mobility, and thermodynamic stability) performed at Invitae indicates that this missense variant is not expected to disrupt SLC6A5 protein function. This variant has not been reported in the literature in individuals affected with SLC6A5-related conditions. This variant is present in population databases (rs750861694, ExAC 0.01%). This sequence change replaces alanine with threonine at codon 363 of the SLC6A5 protein (p.Ala363Thr). The alanine residue is moderately conserved and there is a small physicochemical difference between alanine and threonine. In summary, the available evidence is currently insufficient to determine the role of this variant in disease. Therefore, it has been classified as a Variant of Uncertain Significance.